The following is an entry in ClinVar:

ClinVar aggregate classification (germline): Uncertain significance. Review status: criteria provided, multiple submitters, no conflicts (2 of 4 stars). 4 submissions from 4 submitters: Uncertain significance (4). Last evaluated 2026-02-01.

Conditions:
Normophosphatemic familial tumoral calcinosis. Also called: CALCINOSIS, TUMORAL, WITH NORMOPHOSPHATEMIA. Identifiers: Orphanet 306658, Orphanet 53715, MedGen C1864861, MONDO:0012502, OMIM 610455.
MIRAGE syndrome. Also called: MYELODYSPLASIA, INFECTION, RESTRICTION OF GROWTH, ADRENAL HYPOPLASIA, GENITAL PHENOTYPES, AND ENTEROPATHY. Identifiers: Orphanet 494433, MedGen C4284088, MONDO:0014888, OMIM 617053.
Monosomy 7 myelodysplasia and leukemia syndrome 2. Identifiers: MedGen C5436668, MONDO:0030801, OMIM 619041.

Allele frequency attached by ClinVar (database versions not stated): gnomAD 0.00001; gnomAD exomes 0.00001 and 0.00003; ExAC 0.00003; TOPMed 0.00004.

Submissions (4):

CeGaT Center for Human Genetics Tuebingen
Classification: Uncertain significance. Last evaluated: 2026-02-01. Review status: criteria provided, single submitter. Criteria: CeGaT Center For Human Genetics Tuebingen Variant Classification Criteria Version 2. Collection method: clinical testing. Allele origin: germline. Affected: yes. Observed: 1 variant allele.

Labcorp Genetics (formerly Invitae), Labcorp
Classification: Uncertain significance. Last evaluated: 2026-01-02. Review status: criteria provided, single submitter. Criteria: Invitae Variant Classification Sherloc (09022015). Collection method: clinical testing. Allele origin: germline.
Comment: This sequence change creates a premature translational stop signal (p.Glu871*) in the SAMD9 gene. While this is not anticipated to result in nonsense mediated decay, it is expected to disrupt the last 719 amino acid(s) of the SAMD9 protein. This variant is present in population databases (rs746591776, gnomAD 0.02%). This variant has not been reported in the literature in individuals affected with SAMD9-related conditions. ClinVar contains an entry for this variant (Variation ID: 1337200). Experimental studies and prediction algorithms are not available or were not evaluated, and the functional significance of this variant is currently unknown. In summary, the available evidence is currently insufficient to determine the role of this variant in disease. Therefore, it has been classified as a Variant of Uncertain Significance.

Fulgent Genetics
Classification: Uncertain significance for Normophosphatemic familial tumoral calcinosis; MIRAGE syndrome; Monosomy 7 myelodysplasia and leukemia syndrome 2. Last evaluated: 2024-04-16. Review status: criteria provided, single submitter. Criteria: ACMG Guidelines, 2015. Collection method: clinical testing. Allele origin: germline.

Genetic Services Laboratory, University of Chicago
Classification: Uncertain significance. Last evaluated: 2019-06-10. Review status: criteria provided, single submitter. Criteria: ACMG Guidelines, 2015. Collection method: clinical testing. Allele origin: germline. Affected: no.

NM_017654.4(SAMD9):c.2611G>T (p.Glu871Ter)

Gene: SAMD9 (sterile alpha motif domain containing 9; minus strand). Cytogenetic location: 7q21.2.
Variant type: single nucleotide variant.
Coding change: c.2611G>T on transcript NM_017654.4 (MANE Select); coding-DNA position 2611, G replaced by T.
Protein change: p.Glu871Ter; replaces glutamic acid 871 with a stop codon.
Molecular consequence: nonsense.
Genome position (GRCh38, 1-based): chr7:93,103,487, C>A on the plus strand (G>T on the coding strand, the complement: SAMD9 is on the minus strand). VCF-style: chr7-93103487-C-A. GRCh37 (hg19) VCF-style: chr7-92732800-C-A.
Other names: c.2611G>T, p.Glu871Ter (NM_001193307.2); short protein forms E871*.
Identifiers: ClinVar variation 1337200 (VCV001337200.11), dbSNP rs746591776, ClinGen allele CA4342812.